The following is an entry in ClinVar:

NM_006612.6(KIF1C):c.10G>T (p.Ala4Ser)

Gene: KIF1C (kinesin family member 1C; plus strand). Cytogenetic location: 17p13.2.
Variant type: single nucleotide variant.
Coding change: c.10G>T on transcript NM_006612.6 (MANE Select); coding-DNA position 10, G replaced by T.
Protein change: p.Ala4Ser; replaces alanine 4 with serine.
Molecular consequence: missense variant.
Genome position (GRCh38, 1-based): chr17:5,000,256, G>T. VCF-style: chr17-5000256-G-T. GRCh37 (hg19) VCF-style: chr17-4903551-G-T.
Other names: c.10G>T (NM_006612.5); short protein forms A4S.
Identifiers: ClinVar variation 1936541 (VCV001936541.6), dbSNP rs769053728, ClinGen allele CA8318415.

ClinVar aggregate classification (germline): Uncertain significance. Review status: criteria provided, multiple submitters, no conflicts (2 of 4 stars). 2 submissions from 2 submitters: Uncertain significance (2). Last evaluated 2024-01-17.

Conditions:
Spastic ataxia 2. Also called: Ataxia, spastic, 2, autosomal recessive. Identifiers: Orphanet 397946, MedGen C1969796, MONDO:0012651, OMIM 611302.
Inborn genetic diseases. Identifiers: MedGen C0950123, MeSH D030342.

Allele frequency attached by ClinVar (database versions not stated): gnomAD 0.00001; gnomAD exomes 0.00001; TOPMed 0.00001; ExAC 0.00004.
gnomAD v4.1: 17 of 1,571,218 alleles (0.0011%); highest among the groups gnomAD compares: Non-Finnish European, 0.0015%; no homozygotes.

Submissions (2):

Ambry Genetics
Classification: Uncertain significance for Inborn genetic diseases. Last evaluated: 2024-01-17. Review status: criteria provided, single submitter. Criteria: Ambry Variant Classification Scheme 2023. Collection method: clinical testing. Allele origin: germline.

Labcorp Genetics (formerly Invitae), Labcorp
Classification: Uncertain significance for Spastic ataxia 2. Last evaluated: 2022-04-08. Review status: criteria provided, single submitter. Criteria: Invitae Variant Classification Sherloc (09022015). Collection method: clinical testing. Allele origin: germline.
Comment: In summary, the available evidence is currently insufficient to determine the role of this variant in disease. Therefore, it has been classified as a Variant of Uncertain Significance. Algorithms developed to predict the effect of missense changes on protein structure and function are either unavailable or do not agree on the potential impact of this missense change (SIFT: "Deleterious"; PolyPhen-2: "Possibly Damaging"; Align-GVGD: "Class C0"). This sequence change replaces alanine, which is neutral and non-polar, with serine, which is neutral and polar, at codon 4 of the KIF1C protein (p.Ala4Ser). The frequency data for this variant in the population databases is considered unreliable, as metrics indicate poor data quality at this position in the gnomAD database. This variant has not been reported in the literature in individuals affected with KIF1C-related conditions.